The following is an entry in ClinVar:

NM_000179.3(MSH6):c.858G>A (p.Glu286=)

Gene: MSH6 (mutS homolog 6; plus strand). Cytogenetic location: 2p16.3.
Variant type: single nucleotide variant.
Coding change: c.858G>A on transcript NM_000179.3 (MANE Select); coding-DNA position 858, G replaced by A.
Protein change: p.Glu286=; no amino-acid change (glutamic acid 286 retained).
Molecular consequence: synonymous variant. On other transcripts: 5 prime UTR variant (2).
Genome position (GRCh38, 1-based): chr2:47,798,841, G>A. VCF-style: chr2-47798841-G-A. GRCh37 (hg19) VCF-style: chr2-48025980-G-A.
Other names: c.468G>A, p.Glu156= (NM_001281492.2); c.-49G>A (NM_001281493.2, NM_001281494.2).
Identifiers: ClinVar variation 1123408 (VCV001123408.12), dbSNP rs2104302069, ClinGen allele CA426120932.

ClinVar aggregate classification (germline): Benign/Likely benign. Review status: criteria provided, multiple submitters, no conflicts (2 of 4 stars). 3 submissions from 3 submitters: Benign (1); Likely benign (2). Last evaluated 2024-12-20.

Conditions:
Lynch syndrome 5 (LYNCH5). Also called: Colorectal cancer, hereditary nonpolyposis, type 5; Hereditary non-polyposis colorectal cancer, type 5. Identifiers: Orphanet 144, MedGen C1833477, MONDO:0013710, OMIM 614350. Disease mechanism: loss of function.
Hereditary cancer-predisposing syndrome. Also called: Hereditary neoplastic syndrome; Neoplastic Syndromes, Hereditary; Tumor predisposition; Hereditary Cancer Syndrome. Identifiers: Orphanet 140162, MedGen C0027672, MeSH D009386, MONDO:0015356.
Hereditary nonpolyposis colorectal neoplasms. Identifiers: MedGen C0009405, MeSH D003123.

gnomAD v4.1: 1 of 1,614,206 alleles (0.000062%); no homozygotes.

Submissions (3):

Myriad Genetics, Inc.
Classification: Benign for Lynch syndrome 5. Last evaluated: 2024-12-20. Review status: criteria provided, single submitter. Criteria: Myriad Autosomal Dominant, Autosomal Recessive and X-Linked Classification Criteria (2023). Collection method: clinical testing. Allele origin: unknown.
Comment: This variant is considered benign. This variant is a silent/synonymous amino acid change and it is not expected to impact splicing.

Labcorp Genetics (formerly Invitae), Labcorp
Classification: Likely benign for Hereditary nonpolyposis colorectal neoplasms. Last evaluated: 2019-10-21. Review status: criteria provided, single submitter. Criteria: Invitae Variant Classification Sherloc (09022015). Collection method: clinical testing. Allele origin: germline.

Ambry Genetics
Classification: Likely benign for Hereditary cancer-predisposing syndrome. Last evaluated: 2019-04-22. Review status: criteria provided, single submitter. Criteria: Ambry Variant Classification Scheme 2023. Collection method: clinical testing. Allele origin: germline.